The following is an entry in ClinVar:

ClinVar aggregate classification (germline): Conflicting classifications of pathogenicity. Review status: criteria provided, conflicting classifications (1 of 4 stars). 3 submissions from 3 submitters: Likely pathogenic (2); Uncertain significance (1). Last evaluated 2026-08-06.

Conditions:
Adult hypophosphatasia. Identifiers: Orphanet 247676, Orphanet 436, MedGen C0268413, MONDO:1010154, OMIM 146300, MONDO:0007798.
ALPL-related disorder. Also called: ALPL-related disorders; ALPL-related condition.

Submissions (3):

OLLIN Analises Genomicas, OLLIN
Classification: Likely pathogenic for Adult hypophosphatasia. Last evaluated: 2026-08-06. Review status: criteria provided, single submitter. Criteria: ACMG Guidelines 2015 PMID 25741868. Collection method: clinical testing. Allele origin: germline. Inheritance: Autosomal dominant inheritance.
Comment: This missense variant, located in exon 3 (of 12), is absent from gnomAD but has been reported in ClinVar (accession VCV003251693.1) and in the scientific literature in individuals with ALPL related disorders (PMID: 1409720). In silico analysis predicts that this variant has a deleterious effect. This variant is located in a region considered to be a mutational hotspot. Another pathogenic variant affecting the same amino acid residue has been reported (PMID: 1409720). This gene is constrained for missense variation. According to the currently available evidence, this variant has been classified as likely pathogenic (PM1, PM2_P, PM5, PP2, PP3_M).

Women's Health and Genetics/Laboratory Corporation of America, LabCorp
Classification: Uncertain significance. Last evaluated: 2024-04-25. Review status: criteria provided, single submitter. Criteria: LabCorp Variant Classification Summary - May 2015. Collection method: clinical testing. Allele origin: germline.
Comment: Variant summary: ALPL c.97G>C (p.Ala33Pro) results in a non-conservative amino acid change in the encoded protein sequence. Five of five in-silico tools predict a damaging effect of the variant on protein function. The variant was absent in 251476 control chromosomes. The available data on variant occurrences in the general population are insufficient to allow any conclusion about variant significance. To our knowledge, no occurrence of c.97G>C in individuals affected with Hypophosphatasia and no experimental evidence demonstrating its impact on protein function have been reported. No submitters have cited clinical-significance assessments for this variant to ClinVar. Based on the evidence outlined above, the variant was classified as uncertain significance.

Blueprint Genetics
Classification: Likely pathogenic for ALPL-related disorders. Last evaluated: 2023-09-06. Review status: criteria provided, single submitter. Criteria: ACMG Guidelines, 2015. Collection method: clinical testing. Allele origin: germline. Affected: yes. Observed: 1 variant allele.

Literature cited by the submitters: PubMed 1409720 (cited by OLLIN Analises Genomicas, OLLIN).

NM_000478.6(ALPL):c.97G>C (p.Ala33Pro)

Gene: ALPL (alkaline phosphatase, biomineralization associated; plus strand). Cytogenetic location: 1p36.12.
Variant type: single nucleotide variant.
Coding change: c.97G>C on transcript NM_000478.6 (MANE Select); coding-DNA position 97, G replaced by C.
Protein change: p.Ala33Pro; replaces alanine 33 with proline.
Molecular consequence: missense variant. On other transcripts: 5 prime UTR variant (2).
Genome position (GRCh38, 1-based): chr1:21,560,661, G>C. VCF-style: chr1-21560661-G-C. GRCh37 (hg19) VCF-style: chr1-21887154-G-C.
Other names: c.-69G>C (NM_001127501.4); c.-19G>C (NM_001177520.3); c.97G>C, p.Ala33Pro (NM_001369803.2, NM_001369804.2, NM_001369805.2); short protein forms A33P.
Identifiers: ClinVar variation 3251693 (VCV003251693.3), dbSNP rs1315428192.